The following is an entry in ClinVar:

ClinVar aggregate classification (germline): Conflicting classifications of pathogenicity. Review status: criteria provided, conflicting classifications (1 of 4 stars). 2 submissions from 2 submitters: Likely pathogenic (1); Uncertain significance (1). Last evaluated 2026-09-08.

Conditions:
Fabry disease. Also called: CERAMIDE TRIHEXOSIDASE DEFICIENCY; ALPHA-GALACTOSIDASE A DEFICIENCY; ANDERSON-FABRY DISEASE; GLA DEFICIENCY; HEREDITARY DYSTOPIC LIPIDOSIS; Fabry's disease. Identifiers: Orphanet 324, MedGen C0002986, MONDO:0010526, OMIM 301500, HP:0001071. Disease mechanism: Fabry disease is due to inactivating mutations in the X-linked GLA gene resulting in deficiency of the enzyme Alpha Galactosidase-A., loss of function.

Submissions (2):

Genomenon, Inc
Classification: Likely pathogenic for Fabry disease. Last evaluated: 2026-09-08. Review status: criteria provided, single submitter. Criteria: Genomenon Sequence Variant Interpretation Standards - Updated. Collection method: curation. Allele origin: germline. Affected: yes.
Comment: GLA p.Leu243Phe (c.729G>C) is a missense variant that changes the amino acid at codon 243 from Leucine to Phenylalanine. This variant has been observed in at least one proband with clinical features consistent with Fabry disease (PMID:32442237;28749998;27657681;24656905;28756410). Functional or patient cell studies have been reported (PMID:32023956;30723321;26415523;27657681;32127409;24656905). This variant is located in a mutational hotspot and/or important functional domain. It is absent or not present at a significant frequency in gnomAD. In silico models predict that this variant is possibly or probably damaging. In conclusion, we classify GLA p.Leu243Phe (c.729G>C) as a likely pathogenic variant.

Laboratory for Molecular Medicine, Mass General Brigham Personalized Medicine
Classification: Uncertain significance. Last evaluated: 2011-04-04. Review status: criteria provided, single submitter. Criteria: LMM Criteria. Collection method: clinical testing. Allele origin: germline. Observed: 1 variant allele.
Comment: Variant classified as Uncertain Significance - Favor Pathogenic. The Leu243Phe v ariant has been reported in one individual with classic Fabry disease, though no control studies were performed (Germain 2002). In addition, a different change at the same position (Leu243Trp) with good evidence for pathogenicity has been i dentified in an individual with Fabry disease as well as several affected family members (Rozenfeld 2006). These findings support a pathogenic role for the Leu2 43Phe variant as do the clinical features reported for an individual tested by o ur laboratory (HCM and focal and segmental glomerulosclerosis are consistent wit h Fabry disease (Fogo 2010). However, leucine (Leu) at position 243 is not 100% conserved in evolution (frog has a methionine and mosquito has a threonine), rai sing the possibility that a change would be tolerated. In summary, additional da ta is needed to determine significance of the Leu243Phe variant with certainty.

Literature cited by the submitters: PubMed 32442237 (cited by Genomenon, Inc); PubMed 28749998 (cited by Genomenon, Inc); PubMed 27657681 (cited by Genomenon, Inc); PubMed 24656905 (cited by Genomenon, Inc); PubMed 28756410 (cited by Genomenon, Inc); PubMed 32023956 (cited by Genomenon, Inc); PubMed 30723321 (cited by Genomenon, Inc); PubMed 26415523 (cited by Genomenon, Inc); PubMed 32127409 (cited by Genomenon, Inc); PubMed 12428061 (cited by Laboratory for Molecular Medicine, Mass General Brigham Personalized Medicine); PubMed 16630168 (cited by Laboratory for Molecular Medicine, Mass General Brigham Personalized Medicine); PubMed 19833663 (cited by Laboratory for Molecular Medicine, Mass General Brigham Personalized Medicine).

NM_000169.3(GLA):c.729G>C (p.Leu243Phe)

Genes: GLA (galactosidase alpha; minus strand), RPL36A-HNRNPH2 (RPL36A-HNRNPH2 readthrough; plus strand). Cytogenetic location: Xq22.1.
Variant type: single nucleotide variant.
Coding change: c.729G>C on transcript NM_000169.3 (MANE Select); coding-DNA position 729, G replaced by C.
Protein change: p.Leu243Phe; replaces leucine 243 with phenylalanine.
Molecular consequence: missense variant. On other transcripts: non-coding transcript variant (3), intron variant (2).
Genome position (GRCh38, 1-based): chrX:101,398,857, C>G on the plus strand (G>C on the coding strand, the complement: GLA is on the minus strand). VCF-style: chrX-101398857-C-G. GRCh37 (hg19) VCF-style: chrX-100653845-C-G.
Other names: c.852G>C, p.Leu284Phe (NM_001406747.1); c.729G>C, p.Leu243Phe (NM_001406748.1); c.300+3400C>G (NM_001199973.2); c.177+7035C>G (NM_001199974.2); short protein forms L243F, L284F.
Identifiers: ClinVar variation 42462 (VCV000042462.6), dbSNP rs397515874, ClinGen allele CA022020.